The following is an entry in ClinVar:

NM_004100.5(EYA4):c.724G>A (p.Gly242Ser)

Gene: EYA4 (EYA transcriptional coactivator and phosphatase 4; plus strand). Cytogenetic location: 6q23.2.
Variant type: single nucleotide variant.
Coding change: c.724G>A on transcript NM_004100.5 (MANE Select); coding-DNA position 724, G replaced by A.
Protein change: p.Gly242Ser; replaces glycine 242 with serine.
Molecular consequence: missense variant.
Genome position (GRCh38, 1-based): chr6:133,462,764, G>A. VCF-style: chr6-133462764-G-A. GRCh37 (hg19) VCF-style: chr6-133783902-G-A.
Other names: c.562G>A, p.Gly188Ser (NM_001301012.2, NM_001370459.1); c.724G>A, p.Gly242Ser (NM_001301013.2, NM_172105.4); c.655G>A, p.Gly219Ser (NM_001370458.1, NM_172103.4); short protein forms G219S, G242S, G188S.
Identifiers: ClinVar variation 2877022 (VCV002877022.3), dbSNP rs762726614, ClinGen allele CA4008133.

ClinVar aggregate classification (germline): Uncertain significance (1 of 4 stars; one submission).

Conditions:
Dilated cardiomyopathy 1J (CMD1J). Also called: CARDIOMYOPATHY, DILATED, WITH SENSORINEURAL HEARING LOSS, AUTOSOMAL DOMINANT. Identifiers: Orphanet 217622, MedGen C1854368, MONDO:0011541, OMIM 605362.

Allele frequency attached by ClinVar (database versions not stated): gnomAD exomes below 0.00001; TOPMed below 0.00001; ExAC 0.00001; gnomAD 0.00001.
gnomAD v4.1: 4 of 1,613,518 alleles (0.00025%); highest among the groups gnomAD compares: Non-Finnish European, 0.00034%; no homozygotes.

Submission:

Labcorp Genetics (formerly Invitae), Labcorp
Classification: Uncertain significance for Dilated cardiomyopathy 1J. Last evaluated: 2024-01-11. Review status: criteria provided, single submitter. Criteria: Invitae Variant Classification Sherloc (09022015). Collection method: clinical testing. Allele origin: germline.
Comment: This sequence change replaces glycine, which is neutral and non-polar, with serine, which is neutral and polar, at codon 242 of the EYA4 protein (p.Gly242Ser). This variant also falls at the last nucleotide of exon 9, which is part of the consensus splice site for this exon. This variant is present in population databases (rs762726614, gnomAD 0.0009%). This variant has not been reported in the literature in individuals affected with EYA4-related conditions. An algorithm developed to predict the effect of missense changes on protein structure and function (PolyPhen-2) suggests that this variant is likely to be disruptive. Variants that disrupt the consensus splice site are a relatively common cause of aberrant splicing (PMID: 17576681, 9536098). Algorithms developed to predict the effect of sequence changes on RNA splicing suggest that this variant may disrupt the consensus splice site. In summary, the available evidence is currently insufficient to determine the role of this variant in disease. Therefore, it has been classified as a Variant of Uncertain Significance.

Literature cited by the submitters: PubMed 17576681; PubMed 9536098.